The following is an entry in ClinVar:

NM_002519.3(NPAT):c.3314C>T (p.Ser1105Phe)

Gene: NPAT (nuclear protein, coactivator of histone transcription; minus strand). Cytogenetic location: 11q22.3.
Variant type: single nucleotide variant.
Coding change: c.3314C>T on transcript NM_002519.3 (MANE Select); coding-DNA position 3314, C replaced by T.
Protein change: p.Ser1105Phe; replaces serine 1105 with phenylalanine.
Molecular consequence: missense variant.
Genome position (GRCh38, 1-based): chr11:108,161,772, G>A on the plus strand (C>T on the coding strand, the complement: NPAT is on the minus strand). VCF-style: chr11-108161772-G-A. GRCh37 (hg19) VCF-style: chr11-108032499-G-A.
Other names: c.3335C>T, p.Ser1112Phe (NM_001321307.1); short protein forms S1112F, S1105F.
Identifiers: ClinVar variation 3407257 (VCV003407257.1).

ClinVar aggregate classification (germline): Uncertain significance (1 of 4 stars; one submission).

Submission:

Ambry Genetics
Classification: Uncertain significance. Last evaluated: 2024-10-29. Review status: criteria provided, single submitter. Criteria: Ambry Variant Classification Scheme 2023. Collection method: clinical testing. Allele origin: germline.
Comment: The p.S1105F variant (also known as c.3314C>T), located in coding exon 17 of the NPAT gene, results from a C to T substitution at nucleotide position 3314. The serine at codon 1105 is replaced by phenylalanine, an amino acid with highly dissimilar properties. This amino acid position is conserved. In addition, this alteration is predicted to be tolerated by in silico analysis. Based on the available evidence, the clinical significance of this variant remains unclear.